The following is an entry in ClinVar:

ClinVar aggregate classification (germline): Benign. Review status: criteria provided, multiple submitters, no conflicts (2 of 4 stars). 10 submissions from 9 submitters: Benign (8). 2 of the submissions do not count toward it. Last evaluated 2026-02-04.

Conditions:
Neurodegeneration with brain iron accumulation 6 (NBIA6). Also called: COASY protein-associated neurodegeneration. Identifiers: Orphanet 397725, MedGen C4517377, MONDO:0014290, OMIM 615643.
Pontocerebellar hypoplasia, type 12. Identifiers: Orphanet 611256, MedGen C4748873, MONDO:0032643, OMIM 618266.

Allele frequency attached by ClinVar (database versions not stated): TOPMed 0.48760; gnomAD 0.49440 and 0.49956; ESP Exome Variant Server 0.50161; 1000 Genomes Project 0.50459; 1000 Genomes Project 30x 0.50484; gnomAD exomes 0.53094 and 0.55247; ExAC 0.53611.
gnomAD v4.1: 881,764 of 1,613,628 alleles (55%); highest among the groups gnomAD compares: South Asian, 63%; 243,335 homozygotes.

Submissions (10):

Labcorp Genetics (formerly Invitae), Labcorp
Classification: Benign for Neurodegeneration with brain iron accumulation 6. Last evaluated: 2026-02-04. Review status: criteria provided, single submitter. Criteria: Invitae Variant Classification Sherloc (09022015). Collection method: clinical testing. Allele origin: germline.

Blueprint Genetics
Classification: Benign. Last evaluated: 2024-11-28. Review status: criteria provided, single submitter. Criteria: ACMG Guidelines, 2015. Collection method: clinical testing. Allele origin: germline.

Unidad de Genómica Garrahan, Hospital de Pediatría Garrahan
Classification: Benign. Last evaluated: 2024-07-31. Review status: criteria provided, single submitter. Criteria: ACMG Guidelines, 2015. Collection method: clinical testing. Allele origin: germline. Affected: no. Observed: 70 variant alleles.
Comment: This variant is classified as Benign based on local population frequency. This variant was detected in 75% of patients studied in a panel designed for Epileptic and Developmental Encephalopathy, Progressive Myoclonus Epilepsy and Abnormal Movements and Neurodegeneration with brain iron accumulation. Number of patients: 70. Only high quality variants are reported.

Mayo Clinic Laboratories, Mayo Clinic
Classification: Benign. Last evaluated: 2022-10-27. Review status: criteria provided, single submitter. Criteria: ACMG Guidelines, 2015. Collection method: clinical testing. Allele origin: germline. Observed: 194 variant alleles.

Genome-Nilou Lab
Classification: Benign for Neurodegeneration with brain iron accumulation 6. Last evaluated: 2021-07-22. Review status: criteria provided, single submitter. Criteria: ACMG Guidelines, 2015. Collection method: clinical testing. Allele origin: germline. Affected: no.

Genome-Nilou Lab
Classification: Benign for Pontocerebellar hypoplasia, type 12. Last evaluated: 2021-07-22. Review status: criteria provided, single submitter. Criteria: ACMG Guidelines, 2015. Collection method: clinical testing. Allele origin: germline. Affected: no.

GeneDx
Classification: Benign. Last evaluated: 2015-12-02. Review status: criteria provided, single submitter. Criteria: GeneDx Variant Classification (06012015). Collection method: clinical testing. Allele origin: germline. Affected: yes.
Comment: This variant is considered likely benign or benign based on one or more of the following criteria: it is a conservative change, it occurs at a poorly conserved position in the protein, it is predicted to be benign by multiple in silico algorithms, and/or has population frequency not consistent with disease.

Breakthrough Genomics
Classification: Benign. Review status: criteria provided, single submitter. Criteria: ACMG Guidelines, 2015. Collection method: not provided. Allele origin: germline. Inheritance: Autosomal recessive inheritance. Affected: yes.

Clinical Genetics DNA and cytogenetics Diagnostics Lab, Erasmus MC, Erasmus Medical Center
Classification: Benign. Review status: no assertion criteria provided. Collection method: clinical testing. Allele origin: germline. Affected: yes. Study: VKGL Data-share Consensus. Not counted in ClinVar's aggregate classification.

Genome Diagnostics Laboratory, Amsterdam University Medical Center
Classification: Benign. Review status: no assertion criteria provided. Collection method: clinical testing. Allele origin: germline. Affected: yes. Study: VKGL Data-share Consensus. Not counted in ClinVar's aggregate classification.

NM_025233.7(COASY):c.972A>G (p.Thr324=)

Gene: COASY (Coenzyme A synthase; plus strand). Cytogenetic location: 17q21.2.
Variant type: single nucleotide variant.
Coding change: c.972A>G on transcript NM_025233.7 (MANE Select); coding-DNA position 972, A replaced by G.
Protein change: p.Thr324=; no amino-acid change (threonine 324 retained).
Molecular consequence: synonymous variant.
Genome position (GRCh38, 1-based): chr17:42,564,502, A>G. VCF-style: chr17-42564502-A-G. GRCh37 (hg19) VCF-style: chr17-40716520-A-G.
Other names: p.Thr324=; c.972A>G, p.Thr324= (NM_001042529.3); c.1059A>G, p.Thr353= (NM_001042532.4).
Identifiers: ClinVar variation 379957 (VCV000379957.19), dbSNP rs598126, ClinGen allele CA8578158.
Genomic context (GRCh38, chr17:42,564,502, plus strand): 5'-CCAGGACCTGGAGGAACTTGCTTTGTACCAGATCCAGCTGCTGAAGGACCTCAGACATAC[A>G]GAGAATGAAGAGGACAAAGTCAGCTCCTCCAGCTTCCGCCAGCGAATGTTGGGGAACCTG-3'
Protein context (NP_079509.5, residues 314-334): QIQLLKDLRH[Thr324=]ENEEDKVSSS